The following is an entry in ClinVar:

NM_145239.3(PRRT2):c.697_698del (p.Ser233fs)

Genes: MVP-DT (MVP divergent transcript; minus strand), PRRT2 (proline rich transmembrane protein 2; plus strand). Cytogenetic location: 16p11.2.
Variant type: Deletion.
Coding change: c.697_698del on transcript NM_145239.3 (MANE Select); coding-DNA positions 697 to 698, 2 bases deleted (AG; older notation c.697_698delAG).
Protein change: p.Ser233fs; shifts the reading frame from serine 233.
Molecular consequence: frameshift variant.
Genome position (GRCh38, 1-based): chr16:29,813,751-29,813,752, AG deleted. VCF-style (leftmost placement, unchanged base first): chr16-29813750-CAG-C. GRCh37 (hg19) VCF-style: chr16-29825071-CAG-C.
Other names: c.697_698del, p.Ser233fs (NM_001256442.2, NM_001256443.2); short protein forms S233fs.
Identifiers: ClinVar variation 659554 (VCV000659554.9), dbSNP rs1596892401, ClinGen allele CA915949232.

ClinVar aggregate classification (germline): Pathogenic (1 of 4 stars; one submission).

Conditions:
Episodic kinesigenic dyskinesia (EKD). Also called: Paroxysmal kinesigenic dyskinesia. Identifiers: Orphanet 98809, MedGen C1868682, MONDO:0044202.

Submission:

Labcorp Genetics (formerly Invitae), Labcorp
Classification: Pathogenic for Episodic kinesigenic dyskinesia. Last evaluated: 2025-06-30. Review status: criteria provided, single submitter. Criteria: Invitae Variant Classification Sherloc (09022015). Collection method: clinical testing. Allele origin: germline.
Comment: This sequence change creates a premature translational stop signal (p.Ser233Trpfs*9) in the PRRT2 gene. It is expected to result in an absent or disrupted protein product. Loss-of-function variants in PRRT2 are known to be pathogenic (PMID: 22623405, 22744660). This variant is not present in population databases (gnomAD no frequency). This premature translational stop signal has been observed in individual(s) with paroxysmal kinesigenic dyskinesia (PMID: 23551744). ClinVar contains an entry for this variant (Variation ID: 659554). For these reasons, this variant has been classified as Pathogenic.

Literature cited by the submitters: PubMed 22623405; PubMed 22744660; PubMed 23551744.